The following is an entry in ClinVar:

NM_198173.3(GRHL3):c.1482C>T (p.Pro494=)

Gene: GRHL3 (grainyhead like transcription factor 3; plus strand). Cytogenetic location: 1p36.11.
Variant type: single nucleotide variant.
Coding change: c.1482C>T on transcript NM_198173.3 (MANE Select); coding-DNA position 1482, C replaced by T.
Protein change: p.Pro494=; no amino-acid change (proline 494 retained).
Molecular consequence: synonymous variant.
Genome position (GRCh38, 1-based): chr1:24,346,580, C>T. VCF-style: chr1-24346580-C-T. GRCh37 (hg19) VCF-style: chr1-24673070-C-T.
Other names: c.1482C>T, p.Pro494= (NM_198174.3); c.1344C>T, p.Pro448= (NM_001195010.2); c.1497C>T, p.Pro499= (NM_021180.4).
Identifiers: ClinVar variation 3032243 (VCV003032243.2), dbSNP rs778938262, ClinGen allele CA690259.

ClinVar aggregate classification (germline): Likely benign (0 of 4 stars; one submission).

Conditions:
GRHL3-related disorder. Also called: GRHL3-related condition.

Allele frequency attached by ClinVar (database versions not stated): gnomAD exomes 0.00015; ExAC 0.00006; gnomAD 0.00006; TOPMed 0.00006.
gnomAD v4.1: 227 of 1,613,190 alleles (0.014%); highest among the groups gnomAD compares: Non-Finnish European, 0.018%; no homozygotes.

Submission:

PreventionGenetics, part of Exact Sciences
Classification: Likely benign for GRHL3-related condition. Last evaluated: 2021-01-05. Review status: no assertion criteria provided. Collection method: clinical testing. Allele origin: germline.
Comment: This variant is classified as likely benign based on ACMG/AMP sequence variant interpretation guidelines (Richards et al. 2015 PMID: 25741868, with internal and published modifications).